The following is an entry in ClinVar:

ClinVar aggregate classification (germline): Likely benign (1 of 4 stars; one submission).

Allele frequency attached by ClinVar (database versions not stated): gnomAD exomes 0.00003; ExAC 0.00010; gnomAD 0.00041; 1000 Genomes Project 30x 0.00047.
gnomAD v4.1: 95 of 1,598,676 alleles (0.0059%); highest among the groups gnomAD compares: African/African-American, 0.11%; 1 homozygote.

Submission:

CeGaT Center for Human Genetics Tuebingen
Classification: Likely benign. Last evaluated: 2022-07-01. Review status: criteria provided, single submitter. Criteria: CeGaT Center For Human Genetics Tuebingen Variant Classification Criteria Version 2. Collection method: clinical testing. Allele origin: germline. Affected: yes. Observed: 1 variant allele.
Comment: KRT6C: BP4, BP7, BS1

NM_173086.5(KRT6C):c.702C>T (p.Arg234=)

Gene: KRT6C (keratin 6C; minus strand). Cytogenetic location: 12q13.13.
Variant type: single nucleotide variant.
Coding change: c.702C>T on transcript NM_173086.5 (MANE Select); coding-DNA position 702, C replaced by T.
Protein change: p.Arg234=; no amino-acid change (arginine 234 retained).
Molecular consequence: synonymous variant.
Genome position (GRCh38, 1-based): chr12:52,472,119, G>A on the plus strand (C>T on the coding strand, the complement: KRT6C is on the minus strand). VCF-style: chr12-52472119-G-A. GRCh37 (hg19) VCF-style: chr12-52865903-G-A.
Identifiers: ClinVar variation 2643021 (VCV002643021.24), dbSNP rs385476, ClinGen allele CA6581469.